The following is an entry in ClinVar:

ClinVar aggregate classification (germline): Uncertain significance (1 of 4 stars; one submission).

Submission:

Labcorp Genetics (formerly Invitae), Labcorp
Classification: Uncertain significance. Last evaluated: 2024-10-29. Review status: criteria provided, single submitter. Criteria: Invitae Variant Classification Sherloc (09022015). Collection method: clinical testing. Allele origin: germline.
Comment: This sequence change creates a premature translational stop signal (p.Glu263*) in the GFM2 gene. It is expected to result in an absent or disrupted protein product. However, the current clinical and genetic evidence is not sufficient to establish whether loss-of-function variants in GFM2 cause disease. This variant is not present in population databases (gnomAD no frequency). This variant has not been reported in the literature in individuals affected with GFM2-related conditions. Algorithms developed to predict the effect of sequence changes on RNA splicing suggest that this variant may disrupt the consensus splice site. In summary, the available evidence is currently insufficient to determine the role of this variant in disease. Therefore, it has been classified as a Variant of Uncertain Significance.

NM_032380.5(GFM2):c.787G>T (p.Glu263Ter)

Gene: GFM2 (GTP dependent ribosome recycling factor mitochondrial 2; minus strand). Cytogenetic location: 5q13.3.
Variant type: single nucleotide variant.
Coding change: c.787G>T on transcript NM_032380.5 (MANE Select); coding-DNA position 787, G replaced by T.
Protein change: p.Glu263Ter; replaces glutamic acid 263 with a stop codon.
Molecular consequence: nonsense. On other transcripts: non-coding transcript variant (1).
Genome position (GRCh38, 1-based): chr5:74,745,740, C>A on the plus strand (G>T on the coding strand, the complement: GFM2 is on the minus strand). VCF-style: chr5-74745740-C-A. GRCh37 (hg19) VCF-style: chr5-74041565-C-A.
Other names: c.883G>T, p.Glu295Ter (NM_001281302.2); c.787G>T, p.Glu263Ter (NM_170681.3, NM_170691.3); short protein forms E263*, E295*.
Identifiers: ClinVar variation 2748728 (VCV002748728.3), dbSNP rs868770788, ClinGen allele CA360081917.
Genomic context (GRCh38, chr5:74,745,740, plus strand): 5'-GTTCAATTAAGGCATTCCTTGCTTCAGTTGTTTCCTTCAGCAATTCAGGATCATTCATTT[C>A]CAAGAGGGGCTTTCTCTCAAAGTCTTTTCCATCATTTGAATTGCAATTCCAAAGAAGTTT-3'